The following is an entry in ClinVar:

ClinVar aggregate classification (germline): Pathogenic/Likely pathogenic. Review status: criteria provided, multiple submitters, no conflicts (2 of 4 stars). 3 submissions from 3 submitters: Pathogenic (2); Likely pathogenic (1). Last evaluated 2025-10-03.

Conditions:
Primary ciliary dyskinesia. Also called: Ciliary dyskinesia. Identifiers: Orphanet 244, MedGen C0008780, MONDO:0016575, HP:0012265.
Primary ciliary dyskinesia 14. Also called: CILIARY DYSKINESIA, PRIMARY, 14, WITH OR WITHOUT SITUS INVERSUS. Identifiers: Orphanet 244, MedGen C3151136, MONDO:0013434, OMIM 613807.

Submissions (3):

Labcorp Genetics (formerly Invitae), Labcorp
Classification: Pathogenic for Primary ciliary dyskinesia. Last evaluated: 2025-10-03. Review status: criteria provided, single submitter. Criteria: Invitae Variant Classification Sherloc (09022015). Collection method: clinical testing. Allele origin: germline.
Comment: This sequence change creates a premature translational stop signal (p.Lys836Serfs*3) in the CCDC39 gene. It is expected to result in an absent or disrupted protein product. Loss-of-function variants in CCDC39 are known to be pathogenic (PMID: 21131972, 23255504). This variant is present in population databases (rs781526810, gnomAD 0.01%). This variant has not been reported in the literature in individuals affected with CCDC39-related conditions. ClinVar contains an entry for this variant (Variation ID: 955889). For these reasons, this variant has been classified as Pathogenic.

Fulgent Genetics
Classification: Likely pathogenic for Primary ciliary dyskinesia 14. Last evaluated: 2024-06-15. Review status: criteria provided, single submitter. Criteria: ACMG Guidelines, 2015. Collection method: clinical testing. Allele origin: germline.

Johns Hopkins Genomics, Johns Hopkins University
Classification: Pathogenic for Primary ciliary dyskinesia 14. Last evaluated: 2021-01-19. Review status: criteria provided, single submitter. Criteria: ACMG Guidelines, 2015. Collection method: clinical testing. Allele origin: germline.
Comment: This frameshift variant results in a premature stop codon, likely leading to nonsense-mediated decay and lack of protein production. CCDC39 p.Lys836fs (rs781526810) is rare (<0.1%) in a large population dataset (gnomAD: 3/231006 total alleles; 0.001%; no homozygotes) and has not been reported in the literature, to our knowledge. This variant has been reported in ClinVar. We consider this variant to be pathogenic.

Literature cited by the submitters: PubMed 21131972 (cited by Labcorp Genetics (formerly Invitae), Labcorp); PubMed 23255504 (cited by Labcorp Genetics (formerly Invitae), Labcorp).

NM_181426.2(CCDC39):c.2507_2508del (p.Lys836fs)

Genes: CCDC39 (coiled-coil domain 39 molecular ruler complex subunit; minus strand), TTC14 (tetratricopeptide repeat domain 14; plus strand). Cytogenetic location: 3q26.33.
Variant type: Deletion.
Coding change: c.2507_2508del on transcript NM_181426.2 (MANE Select); coding-DNA positions 2507 to 2508, 2 bases deleted (AA; older notation c.2507_2508delAA).
Protein change: p.Lys836fs; shifts the reading frame from lysine 836.
Molecular consequence: frameshift variant. On other transcripts: intron variant (1).
Genome position (GRCh38, 1-based): chr3:180,616,594-180,616,595, TT deleted on the plus strand (AA on the coding strand, the reverse complement: CCDC39 is on the minus strand); deleting any 2 consecutive bases within chr3:180,616,594-180,616,596 gives the same sequence; the c. name uses the placement nearest the transcript's 3' end. VCF-style (leftmost placement, unchanged base first): chr3-180616593-CTT-C. GRCh37 (hg19) VCF-style: chr3-180334381-CTT-C.
Other names: c.1775-785_1775-784del (NM_001288582.2); short protein forms K836fs.
Identifiers: ClinVar variation 955889 (VCV000955889.7), dbSNP rs781526810, ClinGen allele CA2715654.